The following is an entry in ClinVar:

NM_003660.4(PPFIA3):c.33G>C (p.Glu11Asp)

Genes: PPFIA3 (PPFI scaffold protein A3; plus strand), LOC130064903 (ATAC-STARR-seq lymphoblastoid silent region 10914; plus strand). Cytogenetic location: 19q13.33.
Variant type: single nucleotide variant.
Coding change: c.33G>C on transcript NM_003660.4 (MANE Select); coding-DNA position 33, G replaced by C.
Protein change: p.Glu11Asp; replaces glutamic acid 11 with aspartic acid.
Molecular consequence: missense variant. On other transcripts: non-coding transcript variant (1).
Genome position (GRCh38, 1-based): chr19:49,127,906, G>C. VCF-style: chr19-49127906-G-C. GRCh37 (hg19) VCF-style: chr19-49631163-G-C.
Other names: short protein forms E11D.
Identifiers: ClinVar variation 5040177 (VCV005040177.1).

ClinVar aggregate classification (germline): Uncertain significance (1 of 4 stars; one submission).

Submission:

CeGaT Center for Human Genetics Tuebingen
Classification: Uncertain significance. Last evaluated: 2026-07-01. Review status: criteria provided, single submitter. Criteria: CeGaT Center For Human Genetics Tuebingen Variant Classification Criteria Version 2. Collection method: clinical testing. Allele origin: germline. Affected: yes. Observed: 1 variant allele.
Comment: PPFIA3: PM2